The following is an entry in ClinVar:

ClinVar aggregate classification (germline): Uncertain significance. Review status: criteria provided, multiple submitters, no conflicts (2 of 4 stars). 2 submissions from 2 submitters: Uncertain significance (2). Last evaluated 2022-11-03.

Conditions:
Leukodystrophy, hypomyelinating, 7, with or without oligodontia and/or hypogonadotropic hypogonadism (HLD7). Also called: Ataxia, Delayed Dentition and Hypomyelination (ADDH); LEUKODYSTROPHY, HYPOMYELINATING, 7, WITH OLIGODONTIA; LEUKODYSTROPHY, HYPOMYELINATING, 7, WITH OLIGODONTIA AND HYPOGONADOTROPIC HYPOGONADISM; LEUKODYSTROPHY, HYPOMYELINATING, 7, WITHOUT OLIGODONTIA OR HYPOGONADOTROPIC HYPOGONADISM; LEUKOENCEPHALOPATHY, HYPOMYELINATING, WITH ATAXIA AND DELAYED DENTITION; ATAXIA, DELAYED DENTITION, AND HYPOMYELINATION. Identifiers: Orphanet 137639, Orphanet 447893, Orphanet 447896, Orphanet 77295, Orphanet 88637, MedGen CN034185, MONDO:0011897, OMIM 607694.

Submissions (2):

Blueprint Genetics
Classification: Uncertain significance. Last evaluated: 2022-11-03. Review status: criteria provided, single submitter. Criteria: ACMG Guidelines, 2015. Collection method: clinical testing. Allele origin: germline.

Baylor Genetics
Classification: Uncertain significance for Leukodystrophy, hypomyelinating, 7, with or without oligodontia and/or hypogonadotropic hypogonadism. Last evaluated: 2019-11-25. Review status: criteria provided, single submitter. Criteria: ACMG Guidelines, 2015. Collection method: clinical testing. Allele origin: unknown. Affected: yes.
Comment: This variant was determined to be of uncertain significance according to ACMG Guidelines, 2015 [PMID:25741868].

NM_007055.4(POLR3A):c.2493A>T (p.Lys831Asn)

Gene: POLR3A (RNA polymerase III subunit A; minus strand). Cytogenetic location: 10q22.3.
Variant type: single nucleotide variant.
Coding change: c.2493A>T on transcript NM_007055.4 (MANE Select); coding-DNA position 2493, A replaced by T.
Protein change: p.Lys831Asn; replaces lysine 831 with asparagine.
Molecular consequence: missense variant.
Genome position (GRCh38, 1-based): chr10:78,000,104, T>A on the plus strand (A>T on the coding strand, the complement: POLR3A is on the minus strand). VCF-style: chr10-78000104-T-A. GRCh37 (hg19) VCF-style: chr10-79759862-T-A.
Other names: short protein forms K831N.
Identifiers: ClinVar variation 1030181 (VCV001030181.2), dbSNP rs1847342705, ClinGen allele CA377335783.